The following is an entry in ClinVar:

ClinVar aggregate classification (germline): Uncertain significance (1 of 4 stars; one submission).

Conditions:
Menkes kinky-hair syndrome (MNK). Also called: Copper transport disease; Menkes Disease; Classic Menkes Disease. Identifiers: Orphanet 565, MedGen C0022716, MONDO:0010651, OMIM 309400.
Cutis laxa, X-linked (OHS). Also called: EDS IX; Occipital horn syndrome. Identifiers: Orphanet 198, MedGen C0268353, MONDO:0010572, OMIM 304150.
X-linked distal spinal muscular atrophy type 3. Also called: SPINAL MUSCULAR ATROPHY, DISTAL, X-LINKED RECESSIVE; NEURONOPATHY, DISTAL HEREDITARY MOTOR, X-LINKED; NEUROPATHY, DISTAL HEREDITARY MOTOR, X-LINKED; ATP7A-Related Distal Motor Neuropathy. Identifiers: Orphanet 139557, MedGen C1845359, MONDO:0010338, OMIM 300489.

Allele frequency attached by ClinVar (database versions not stated): gnomAD exomes below 0.00001.
gnomAD v4.1: 5 of 1,210,549 alleles (0.00041%); highest among the groups gnomAD compares: Non-Finnish European, 0.00056%; no homozygotes.

Submission:

Labcorp Genetics (formerly Invitae), Labcorp
Classification: Uncertain significance for X-linked distal spinal muscular atrophy type 3; Cutis laxa, X-linked; Menkes kinky-hair syndrome. Last evaluated: 2025-12-08. Review status: criteria provided, single submitter. Criteria: Invitae Variant Classification Sherloc (09022015). Collection method: clinical testing. Allele origin: germline.
Comment: This sequence change replaces glutamic acid, which is acidic and polar, with lysine, which is basic and polar, at codon 514 of the ATP7A protein (p.Glu514Lys). This variant is not present in population databases (gnomAD no frequency). This variant has not been reported in the literature in individuals affected with ATP7A-related conditions. ClinVar contains an entry for this variant (Variation ID: 2130857). Invitae Evidence Modeling of protein sequence and biophysical properties (such as structural, functional, and spatial information, amino acid conservation, physicochemical variation, residue mobility, and thermodynamic stability) indicates that this missense variant is not expected to disrupt ATP7A protein function with a negative predictive value of 95%. In summary, the available evidence is currently insufficient to determine the role of this variant in disease. Therefore, it has been classified as a Variant of Uncertain Significance.

NM_000052.7(ATP7A):c.1540G>A (p.Glu514Lys)

Gene: ATP7A (ATPase copper transporting alpha; plus strand). Cytogenetic location: Xq21.1.
Variant type: single nucleotide variant.
Coding change: c.1540G>A on transcript NM_000052.7 (MANE Select); coding-DNA position 1540, G replaced by A.
Protein change: p.Glu514Lys; replaces glutamic acid 514 with lysine.
Molecular consequence: missense variant.
Genome position (GRCh38, 1-based): chrX:77,998,681, G>A. VCF-style: chrX-77998681-G-A. GRCh37 (hg19) VCF-style: chrX-77254178-G-A.
Other names: c.1540G>A, p.Glu514Lys (NM_001282224.2); short protein forms E514K.
Identifiers: ClinVar variation 2130857 (VCV002130857.4), dbSNP rs2522314807, ClinGen allele CA413595147.